The following is an entry in ClinVar:

NM_001286446.3(RIPOR2):c.-2C>T

Gene: RIPOR2 (RHO family interacting cell polarization regulator 2; minus strand). Cytogenetic location: 6p22.3.
Variant type: single nucleotide variant.
Coding change: c.-2C>T on transcript NM_001286446.3; 2 bases upstream of the start codon, C replaced by T.
Molecular consequence: 5 prime UTR variant.
Genome position (GRCh38, 1-based): chr6:25,041,928, G>A on the plus strand (C>T on the coding strand, the complement: RIPOR2 is on the minus strand). VCF-style: chr6-25041928-G-A. GRCh37 (hg19) VCF-style: chr6-25042156-G-A.
Identifiers: ClinVar variation 3038775 (VCV003038775.2), dbSNP rs772580001, ClinGen allele CA3659673.
Genomic context (GRCh38, chr6:25,041,928, plus strand): 5'-CGGATCCTGTCCCTCCATGGCCTGTTTCTGATCCAGTGTAATCGCGAAGGTAACACCATG[G>A]TCCCAACAGAGCGGCCTAAAACCTGCTCATGGCAAAGGAACAAAAGGGTCTTGCAGCTAT-3'

ClinVar aggregate classification (germline): Likely benign (0 of 4 stars; one submission).

Conditions:
RIPOR2-related disorder. Also called: RIPOR2-related condition.

Allele frequency attached by ClinVar (database versions not stated): gnomAD 0.00009; ExAC 0.00025.
gnomAD v4.1: 41 of 702,512 alleles (0.0058%); highest among the groups gnomAD compares: Middle Eastern, 0.046%; no homozygotes.

Submission:

PreventionGenetics, part of Exact Sciences
Classification: Likely benign for RIPOR2-related condition. Last evaluated: 2023-12-13. Review status: no assertion criteria provided. Collection method: clinical testing. Allele origin: germline.
Comment: This variant is classified as likely benign based on ACMG/AMP sequence variant interpretation guidelines (Richards et al. 2015 PMID: 25741868, with internal and published modifications).